The following is an entry in ClinVar:

ClinVar aggregate classification (germline): Likely benign (1 of 4 stars; one submission).

Conditions:
EPPK1-related disorder. Also called: EPPK1-related condition.

Allele frequency attached by ClinVar (database versions not stated): gnomAD exomes 0.00012; TOPMed 0.00015.

Submission:

PreventionGenetics, part of Exact Sciences
Classification: Likely benign for EPPK1-related condition. Last evaluated: 2021-07-07. Review status: criteria provided, single submitter. Criteria: ACMG Guidelines, 2015. Collection method: clinical testing. Allele origin: germline.
Comment: This variant is classified as likely benign based on ACMG/AMP sequence variant interpretation guidelines (Richards et al. 2015 PMID: 25741868, with internal and published modifications).

NM_031308.4(EPPK1):c.7038C>T (p.Gly2346=)

Gene: EPPK1 (epiplakin 1; minus strand). Cytogenetic location: 8q24.3.
Variant type: single nucleotide variant.
Coding change: c.7038C>T on transcript NM_031308.4 (MANE Select); coding-DNA position 7038, C replaced by T.
Protein change: p.Gly2346=; no amino-acid change (glycine 2346 retained).
Molecular consequence: synonymous variant.
Genome position (GRCh38, 1-based): chr8:143,866,216, G>A on the plus strand (C>T on the coding strand, the complement: EPPK1 is on the minus strand). VCF-style: chr8-143866216-G-A.
Identifiers: ClinVar variation 3051969 (VCV003051969.1), dbSNP rs1317058637, ClinGen allele CA848824134.